The following is an entry in ClinVar:

ClinVar aggregate classification (germline): Uncertain significance (1 of 4 stars; one submission).

Conditions:
Ullrich congenital muscular dystrophy 2 (UCMD2). Identifiers: Orphanet 75840, MedGen C4225314, MONDO:0014654, OMIM 616470.
Bethlem myopathy 2 (BTHLM2). Identifiers: Orphanet 536516, Orphanet 610, MedGen C4225313, MONDO:0034022, OMIM 616471.

Submission:

Labcorp Genetics (formerly Invitae), Labcorp
Classification: Uncertain significance for Bethlem myopathy 2; Ullrich congenital muscular dystrophy 2. Last evaluated: 2019-03-19. Review status: criteria provided, single submitter. Criteria: Invitae Variant Classification Sherloc (09022015). Collection method: clinical testing. Allele origin: germline.
Comment: In summary, the available evidence is currently insufficient to determine the role of this variant in disease. Therefore, it has been classified as a Variant of Uncertain Significance. Algorithms developed to predict the effect of missense changes on protein structure and function (SIFT, PolyPhen-2, Align-GVGD) all suggest that this variant is likely to be tolerated, but these predictions have not been confirmed by published functional studies and their clinical significance is uncertain. This variant has not been reported in the literature in individuals with COL12A1-related disease. This variant is not present in population databases (ExAC no frequency). This sequence change replaces isoleucine with valine at codon 1504 of the COL12A1 protein (p.Ile1504Val). The isoleucine residue is weakly conserved and there is a small physicochemical difference between isoleucine and valine.

NM_004370.6(COL12A1):c.4510A>G (p.Ile1504Val)

Gene: COL12A1 (collagen type XII alpha 1 chain; minus strand). Cytogenetic location: 6q13.
Variant type: single nucleotide variant.
Coding change: c.4510A>G on transcript NM_004370.6 (MANE Select); coding-DNA position 4510, A replaced by G.
Protein change: p.Ile1504Val; replaces isoleucine 1504 with valine.
Molecular consequence: missense variant.
Genome position (GRCh38, 1-based): chr6:75,146,152, T>C on the plus strand (A>G on the coding strand, the complement: COL12A1 is on the minus strand). VCF-style: chr6-75146152-T-C. GRCh37 (hg19) VCF-style: chr6-75855868-T-C.
Other names: c.1018A>G, p.Ile340Val (NM_080645.3); short protein forms I1504V, I340V.
Identifiers: ClinVar variation 642192 (VCV000642192.11), dbSNP rs1582129070, ClinGen allele CA364743664.
Genomic context (GRCh38, chr6:75,146,152, plus strand): 5'-CATCTTTCACCTCTTTGGGTCTTGTTGGCTCTGTGTCCTTAACAGGTTTGTATGACAAGA[T>C]GTAGCCAGTAGCTCCTCCCACAGGCTGCCACTGCACATGCATGGTGGTAGGGCCAACATC-3'
Protein context (NP_004361.3, residues 1494-1514): WQPVGGATGY[Ile1504Val]LSYKPVKDTE